The following is an entry in ClinVar:

NM_024642.5(GALNT12):c.707G>T (p.Gly236Val)

Gene: GALNT12 (polypeptide N-acetylgalactosaminyltransferase 12; plus strand). Cytogenetic location: 9q22.33.
Variant type: single nucleotide variant.
Coding change: c.707G>T on transcript NM_024642.5 (MANE Select); coding-DNA position 707, G replaced by T.
Protein change: p.Gly236Val; replaces glycine 236 with valine.
Molecular consequence: missense variant.
Genome position (GRCh38, 1-based): chr9:98,826,917, G>T. VCF-style: chr9-98826917-G-T. GRCh37 (hg19) VCF-style: chr9-101589199-G-T.
Other names: short protein forms G236V.
Identifiers: ClinVar variation 2566251 (VCV002566251.3), dbSNP rs1835871198, ClinGen allele CA374217822.
Genomic context (GRCh38, chr9:98,826,917, plus strand): 5'-CGTCTGCGGCGAGGGGCGATGTTCTGACCTTCCTGGACTGTCACTGTGAGTGCCACGAAG[G>T]GTGGCTGGAGCCGCTGCTGCAGAGGTACGTGAGCCGCCCACCATGGGAGAGACAGCATGT-3'
Protein context (NP_078918.3, residues 226-246): FLDCHCECHE[Gly236Val]WLEPLLQRIH

ClinVar aggregate classification (germline): Uncertain significance (1 of 4 stars; one submission).

Allele frequency attached by ClinVar (database versions not stated): gnomAD exomes below 0.00001.
gnomAD v4.1: 1 of 1,569,918 alleles (0.000064%); highest among the groups gnomAD compares: Non-Finnish European, 0.000086%; no homozygotes.

Submission:

Ambry Genetics
Classification: Uncertain significance. Last evaluated: 2025-10-10. Review status: criteria provided, single submitter. Criteria: Ambry Variant Classification Scheme 2023. Collection method: clinical testing. Allele origin: germline.
Comment: The p.G236V variant (also known as c.707G>T), located in coding exon 3 of the GALNT12 gene, results from a G to T substitution at nucleotide position 707. The glycine at codon 236 is replaced by valine, an amino acid with dissimilar properties. This amino acid position is conserved. In addition, this alteration is predicted to be deleterious by in silico analysis. Since supporting evidence is limited at this time, the clinical significance of this alteration remains unclear.